The following is an entry in ClinVar:

ClinVar aggregate classification (germline): Conflicting classifications of pathogenicity. Review status: criteria provided, conflicting classifications (1 of 4 stars). 3 submissions from 3 submitters: Uncertain significance (1); Likely benign (2). Last evaluated 2025-10-27.

Conditions:
SORL1-related disorder. Also called: SORL1-related condition.

Allele frequency attached by ClinVar (database versions not stated): TOPMed 0.00011; gnomAD exomes 0.00018 and 0.00029; ESP Exome Variant Server 0.00023; gnomAD 0.00023 and 0.00024; ExAC 0.00035.
gnomAD v4.1: 295 of 1,614,104 alleles (0.018%); highest among the groups gnomAD compares: Middle Eastern, 0.016%; no homozygotes.

Submissions (3):

PreventionGenetics, part of Exact Sciences
Classification: Likely benign for SORL1-related condition. Last evaluated: 2025-10-27. Review status: criteria provided, single submitter. Criteria: ACMG Guidelines, 2015. Collection method: clinical testing. Allele origin: germline.
Comment: This variant is classified as likely benign based on ACMG/AMP sequence variant interpretation guidelines (Richards et al. 2015 PMID: 25741868, with internal and published modifications).

Labcorp Genetics (formerly Invitae), Labcorp
Classification: Likely benign. Last evaluated: 2023-08-14. Review status: criteria provided, single submitter. Criteria: Invitae Variant Classification Sherloc (09022015). Collection method: clinical testing. Allele origin: germline.

GeneDx
Classification: Uncertain significance. Last evaluated: 2019-12-31. Review status: criteria provided, single submitter. Criteria: GeneDx Variant Classification Process June 2021. Collection method: clinical testing. Allele origin: germline. Affected: yes.
Comment: In silico analysis, which includes protein predictors and evolutionary conservation, supports a deleterious effect; Identified in individuals with Alzheimer's disease in published literature, however, this variant has also been identified in control cohorts (Verheijen et al., 2016; Bellenguez et al., 2017); This variant is associated with the following publications: (PMID: 28537274, 28789839, 27026413)

NM_003105.6(SORL1):c.4360C>T (p.Pro1454Ser)

Gene: SORL1 (sortilin related receptor 1; plus strand). Cytogenetic location: 11q24.1.
Variant type: single nucleotide variant.
Coding change: c.4360C>T on transcript NM_003105.6 (MANE Select); coding-DNA position 4360, C replaced by T.
Protein change: p.Pro1454Ser; replaces proline 1454 with serine.
Molecular consequence: missense variant.
Genome position (GRCh38, 1-based): chr11:121,591,147, C>T. VCF-style: chr11-121591147-C-T. GRCh37 (hg19) VCF-style: chr11-121461856-C-T.
Other names: short protein forms P1454S.
Identifiers: ClinVar variation 1148912 (VCV001148912.12), dbSNP rs201304369, ClinGen allele CA6329599.